The following is an entry in ClinVar:

NM_032816.5(CEP89):c.652C>T (p.Pro218Ser)

Gene: CEP89 (centrosomal protein 89; minus strand). Cytogenetic location: 19q13.11.
Variant type: single nucleotide variant.
Coding change: c.652C>T on transcript NM_032816.5 (MANE Select); coding-DNA position 652, C replaced by T.
Protein change: p.Pro218Ser; replaces proline 218 with serine.
Molecular consequence: missense variant.
Genome position (GRCh38, 1-based): chr19:32,937,646, G>A on the plus strand (C>T on the coding strand, the complement: CEP89 is on the minus strand). VCF-style: chr19-32937646-G-A. GRCh37 (hg19) VCF-style: chr19-33428552-G-A.
Other names: short protein forms P218S.
Identifiers: ClinVar variation 2067236 (VCV002067236.6), dbSNP rs142183812, ClinGen allele CA9359552.

ClinVar aggregate classification (germline): Uncertain significance. Review status: criteria provided, multiple submitters, no conflicts (2 of 4 stars). 2 submissions from 2 submitters: Uncertain significance (2). Last evaluated 2025-04-02.

Submissions (2):

Labcorp Genetics (formerly Invitae), Labcorp
Classification: Uncertain significance. Last evaluated: 2025-04-02. Review status: criteria provided, single submitter. Criteria: Invitae Variant Classification Sherloc (09022015). Collection method: clinical testing. Allele origin: germline.
Comment: This sequence change replaces proline, which is neutral and non-polar, with serine, which is neutral and polar, at codon 218 of the CEP89 protein (p.Pro218Ser). This variant is present in population databases (rs142183812, gnomAD 0.007%). This variant has not been reported in the literature in individuals affected with CEP89-related conditions. ClinVar contains an entry for this variant (Variation ID: 2067236). An algorithm developed to predict the effect of missense changes on protein structure and function (PolyPhen-2) suggests that this variant is likely to be tolerated. In summary, the available evidence is currently insufficient to determine the role of this variant in disease. Therefore, it has been classified as a Variant of Uncertain Significance.

Ambry Genetics
Classification: Uncertain significance. Last evaluated: 2024-12-10. Review status: criteria provided, single submitter. Criteria: Ambry Variant Classification Scheme 2023. Collection method: clinical testing. Allele origin: germline.